The following is an entry in ClinVar:

ClinVar aggregate classification (germline): Uncertain significance (1 of 4 stars; one submission).

Allele frequency attached by ClinVar (database versions not stated): gnomAD exomes below 0.00001.
gnomAD v4.1: 2 of 1,612,394 alleles (0.00012%); highest among the groups gnomAD compares: South Asian, 0.0022%; no homozygotes.

Submission:

GeneDx
Classification: Uncertain significance. Last evaluated: 2022-10-20. Review status: criteria provided, single submitter. Criteria: GeneDx Variant Classification Process June 2021. Collection method: clinical testing. Allele origin: germline. Affected: yes.
Comment: Not observed at significant frequency in large population cohorts (gnomAD); In silico analysis supports that this missense variant has a deleterious effect on protein structure/function; In silico analysis is inconclusive as to whether the variant alters gene splicing. In the absence of RNA/functional studies, the actual effect of this sequence change is unknown.; Has not been previously published as pathogenic or benign to our knowledge

NM_004456.5(EZH2):c.1675C>A (p.Gln559Lys)

Gene: EZH2 (enhancer of zeste 2 polycomb repressive complex 2 subunit; minus strand). Cytogenetic location: 7q36.1.
Variant type: single nucleotide variant.
Coding change: c.1675C>A on transcript NM_004456.5 (MANE Select); coding-DNA position 1675, C replaced by A.
Protein change: p.Gln559Lys; replaces glutamine 559 with lysine.
Molecular consequence: missense variant.
Genome position (GRCh38, 1-based): chr7:148,814,135, G>T on the plus strand (C>A on the coding strand, the complement: EZH2 is on the minus strand). VCF-style: chr7-148814135-G-T. GRCh37 (hg19) VCF-style: chr7-148511227-G-T.
Other names: c.1660C>A, p.Gln554Lys (NM_001203247.2); c.1633C>A, p.Gln545Lys (NM_001203248.2); c.1507C>A, p.Gln503Lys (NM_001203249.2); c.1543C>A, p.Gln515Lys (NM_152998.3); short protein forms Q503K, Q515K, Q545K, Q554K, Q559K.
Identifiers: ClinVar variation 2499748 (VCV002499748.1), dbSNP rs2129469866, ClinGen allele CA369713648.
Genomic context (GRCh38, chr7:148,814,135, plus strand): 5'-AGCACGGGCACTGCTTGGTGTTGCACTGTGCTTTGCAGCGGCATCCCGGAAAGCGGTTTT[G>T]ACCTTCAGAGAGAGGTTTGGAGGTTCTTCACTCATCACCGTATGCAAAAACTTGCAGAAA-3'
Protein context (NP_004447.2, residues 549-569): EKFCQCSSEC[Gln559Lys]NRFPGCRCKA